The following is an entry in ClinVar:

NM_022455.5(NSD1):c.1787G>A (p.Gly596Asp)

Gene: NSD1 (nuclear receptor binding SET domain protein 1; plus strand). Cytogenetic location: 5q35.3.
Variant type: single nucleotide variant.
Coding change: c.1787G>A on transcript NM_022455.5 (MANE Select); coding-DNA position 1787, G replaced by A.
Protein change: p.Gly596Asp; replaces glycine 596 with aspartic acid.
Molecular consequence: missense variant.
Genome position (GRCh38, 1-based): chr5:177,210,186, G>A. VCF-style: chr5-177210186-G-A. GRCh37 (hg19) VCF-style: chr5-176637187-G-A.
Other names: c.914G>A, p.Gly305Asp (NM_172349.5, NM_001365684.2, NM_001409306.1 and 3 more transcripts); c.1787G>A, p.Gly596Asp (NM_001409301.1, NM_001409302.1, NM_001409303.1); c.1367G>A, p.Gly456Asp (NM_001409304.1); c.1034G>A, p.Gly345Asp (NM_001409305.1); short protein forms G305D, G345D, G456D, G596D.
Identifiers: ClinVar variation 3252152 (VCV003252152.4), dbSNP rs1454813710.
Genomic context (GRCh38, chr5:177,210,186, plus strand): 5'-ACACTGCAAAGAAAGAATTTGAGACTTCAAATGGTGACTCTTTATTGGGCTTGCCTGAGG[G>A]TGCTTTGATCTCAAAGTGTTCTCGAGAGAAGAATAAACCCCAACGAAGCCTGGTGTGTGG-3'
Protein context (NP_071900.2, residues 586-606): NGDSLLGLPE[Gly596Asp]ALISKCSREK

ClinVar aggregate classification (germline): Conflicting classifications of pathogenicity. Review status: criteria provided, conflicting classifications (1 of 4 stars). 3 submissions from 3 submitters: Uncertain significance (2); Likely benign (1). Last evaluated 2025-11-26.

Conditions:
Inborn genetic diseases. Identifiers: MedGen C0950123, MeSH D030342.

Allele frequency attached by ClinVar (database versions not stated): gnomAD exomes below 0.00001; gnomAD 0.00001; TOPMed 0.00002.

Submissions (3):

Ambry Genetics
Classification: Uncertain significance for Inborn genetic diseases. Last evaluated: 2025-11-26. Review status: criteria provided, single submitter. Criteria: Ambry Variant Classification Scheme 2023. Collection method: clinical testing. Allele origin: germline.
Comment: The c.1787G>A (p.G596D) alteration is located in exon 5 (coding exon 4) of the NSD1 gene. This alteration results from a G to A substitution at nucleotide position 1787, causing the glycine (G) at amino acid position 596 to be replaced by an aspartic acid (D). Based on data from gnomAD, the A allele has an overall frequency of <0.001% (1/239688) total alleles studied. The highest observed frequency was 0.007% (1/15432) of African alleles. Based on insufficient or conflicting evidence, the clinical significance of this alteration remains unclear.

Labcorp Genetics (formerly Invitae), Labcorp
Classification: Likely benign. Last evaluated: 2024-02-07. Review status: criteria provided, single submitter. Criteria: Invitae Variant Classification Sherloc (09022015). Collection method: clinical testing. Allele origin: germline.

GeneDx
Classification: Uncertain significance. Last evaluated: 2023-06-08. Review status: criteria provided, single submitter. Criteria: GeneDx Variant Classification Process June 2021. Collection method: clinical testing. Allele origin: germline. Affected: yes.
Comment: In silico analysis supports that this missense variant does not alter protein structure/function; Has not been previously published as pathogenic or benign to our knowledge